The following is an entry in ClinVar:

NM_001127222.2(CACNA1A):c.1848G>A (p.Leu616=)

Gene: CACNA1A (calcium voltage-gated channel subunit alpha1 A; minus strand). Cytogenetic location: 19p13.13.
Variant type: single nucleotide variant.
Coding change: c.1848G>A on transcript NM_001127222.2 (MANE Select); coding-DNA position 1848, G replaced by A.
Protein change: p.Leu616=; no amino-acid change (leucine 616 retained).
Molecular consequence: synonymous variant.
Genome position (GRCh38, 1-based): chr19:13,308,185, C>T on the plus strand (G>A on the coding strand, the complement: CACNA1A is on the minus strand). VCF-style: chr19-13308185-C-T. GRCh37 (hg19) VCF-style: chr19-13418999-C-T.
Other names: c.1851G>A (NM_001127221.1); c.1851G>A, p.Leu617= (NM_000068.4, NM_001127221.2, NM_001174080.2 and 1 more transcripts).
Identifiers: ClinVar variation 1131594 (VCV001131594.12), dbSNP rs1164864162, ClinGen allele CA505661198.
Genomic context (GRCh38, chr19:13,308,185, plus strand): 5'-GCCGAAGAGTTGCATTCCCAAAAGGGCGAAGACGACAATGAACAGGAAAAGGAGAAACAA[C>T]AGGCTGATGATGGACTTCATGGAGTTGAGGAGAGAGACGACCAGGTTTCTGAGAGATGCC-3'
Protein context (NP_001120694.1, residues 606-626): LLNSMKSIIS[Leu616=]LFLLFLFIVV

ClinVar aggregate classification (germline): Likely benign. Review status: criteria provided, multiple submitters, no conflicts (2 of 4 stars). 3 submissions from 3 submitters: Likely benign (3). Last evaluated 2026-07-23.

Conditions:
Developmental and epileptic encephalopathy, 42 (DEE42A). Also called: Epileptic encephalopathy, early infantile, 42; DEVELOPMENTAL AND EPILEPTIC ENCEPHALOPATHY 42A; EPILEPTIC ENCEPHALOPATHY, EARLY INFANTILE, 42A. Identifiers: MedGen C4310716, MONDO:0014917, OMIM 617106.
Episodic ataxia type 2 (EA2). Also called: ATAXIA, EPISODIC, WITH NYSTAGMUS; ATAXIA, FAMILIAL PAROXYSMAL; CEREBELLAR ATAXIA, PAROXYSMAL, ACETAZOLAMIDE-RESPONSIVE; CEREBELLOPATHY, HEREDITARY PAROXYSMAL; EPISODIC ATAXIA, NYSTAGMUS-ASSOCIATED; ACETAZOLAMIDE-RESPONSIVE HEREDITARY PAROXYSMAL CEREBELLAR ATAXIA. Identifiers: Orphanet 97, MedGen C1720416, MONDO:0007163, OMIM 108500.
Inborn genetic diseases. Identifiers: MedGen C0950123, MeSH D030342.

Allele frequency attached by ClinVar (database versions not stated): gnomAD 0.00001; TOPMed 0.00001.
gnomAD v4.1: 28 of 1,613,866 alleles (0.0017%); highest among the groups gnomAD compares: Non-Finnish European, 0.0022%; no homozygotes.

Submissions (3):

Ambry Genetics
Classification: Likely benign for Inborn genetic diseases. Last evaluated: 2026-07-23. Review status: criteria provided, single submitter. Criteria: Ambry Variant Classification Scheme 2023. Collection method: clinical testing. Allele origin: germline.

CeGaT Center for Human Genetics Tuebingen
Classification: Likely benign. Last evaluated: 2026-06-01. Review status: criteria provided, single submitter. Criteria: CeGaT Center For Human Genetics Tuebingen Variant Classification Criteria Version 2. Collection method: clinical testing. Allele origin: germline. Affected: yes. Observed: 1 variant allele.
Comment: CACNA1A: BP4, BP7

Labcorp Genetics (formerly Invitae), Labcorp
Classification: Likely benign for Developmental and epileptic encephalopathy, 42; Episodic ataxia type 2. Last evaluated: 2024-01-31. Review status: criteria provided, single submitter. Criteria: Invitae Variant Classification Sherloc (09022015). Collection method: clinical testing. Allele origin: germline.